The following is an entry in ClinVar:

ClinVar aggregate classification (germline): Uncertain significance (1 of 4 stars; one submission).

Conditions:
Hereditary nonpolyposis colorectal neoplasms. Identifiers: MedGen C0009405, MeSH D003123.

Submission:

Labcorp Genetics (formerly Invitae), Labcorp
Classification: Uncertain significance for Hereditary nonpolyposis colorectal neoplasms. Last evaluated: 2023-07-07. Review status: criteria provided, single submitter. Criteria: Invitae Variant Classification Sherloc (09022015). Collection method: clinical testing. Allele origin: germline.
Comment: This variant has not been reported in the literature in individuals affected with PMS2-related conditions. This variant is not present in population databases (gnomAD no frequency). This sequence change replaces serine, which is neutral and polar, with glycine, which is neutral and non-polar, at codon 222 of the PMS2 protein (p.Ser222Gly). ClinVar contains an entry for this variant (Variation ID: 1996226). In summary, the available evidence is currently insufficient to determine the role of this variant in disease. Therefore, it has been classified as a Variant of Uncertain Significance. Advanced modeling of protein sequence and biophysical properties (such as structural, functional, and spatial information, amino acid conservation, physicochemical variation, residue mobility, and thermodynamic stability) performed at Invitae indicates that this missense variant is not expected to disrupt PMS2 protein function.

NM_000535.7(PMS2):c.664A>G (p.Ser222Gly)

Gene: PMS2 (PMS1 homolog 2, mismatch repair system component; minus strand). Cytogenetic location: 7p22.1.
Variant type: single nucleotide variant.
Coding change: c.664A>G on transcript NM_000535.7 (MANE Select); coding-DNA position 664, A replaced by G.
Protein change: p.Ser222Gly; replaces serine 222 with glycine.
Molecular consequence: missense variant. On other transcripts: 5 prime UTR variant (2), non-coding transcript variant (1), intron variant (1).
Genome position (GRCh38, 1-based): chr7:5,999,149, T>C on the plus strand (A>G on the coding strand, the complement: PMS2 is on the minus strand). VCF-style: chr7-5999149-T-C. GRCh37 (hg19) VCF-style: chr7-6038780-T-C.
Other names: c.259A>G, p.Ser87Gly (NM_001322009.2, NM_001322010.2, NM_001406887.1 and 20 more transcripts); c.-270A>G (NM_001322011.2, NM_001322012.2); c.664A>G, p.Ser222Gly (NM_001322014.2, NM_001406870.1, NM_001406871.1 and 4 more transcripts); c.355A>G, p.Ser119Gly (NM_001322015.2, NM_001406875.1, NM_001406877.1 and 6 more transcripts); c.850A>G, p.Ser284Gly (NM_001406866.1); c.688A>G, p.Ser230Gly (NM_001406868.1); c.346A>G, p.Ser116Gly (NM_001406876.1, NM_001406883.1, NM_001406901.1 and 4 more transcripts); c.328A>G, p.Ser110Gly (NM_001406885.1); and 1 more; short protein forms S116G, S222G, S110G, S284G, S87G, S119G, S230G.
Identifiers: ClinVar variation 1996226 (VCV001996226.4), dbSNP rs2536308731, ClinGen allele CA366743893.